The following is an entry in ClinVar:

ClinVar aggregate classification (germline): Uncertain significance (1 of 4 stars; one submission).

Conditions:
Cardiovascular phenotype. Identifiers: MedGen CN230736.

Allele frequency attached by ClinVar (database versions not stated): gnomAD exomes below 0.00001; gnomAD 0.00001.
gnomAD v4.1: 2 of 1,611,664 alleles (0.00012%); highest among the groups gnomAD compares: African/African-American, 0.0013%; no homozygotes.

Submission:

Ambry Genetics
Classification: Uncertain significance for Cardiovascular phenotype. Last evaluated: 2019-12-19. Review status: criteria provided, single submitter. Criteria: Ambry Variant Classification Scheme 2023. Collection method: clinical testing. Allele origin: germline.
Comment: The p.K24040I variant (also known as c.72119A>T), located in coding exon 182 of the TTN gene, results from an A to T substitution at nucleotide position 72119. The lysine at codon 24040 is replaced by isoleucine, an amino acid with dissimilar properties. This amino acid position is not well conserved in available vertebrate species. In addition, this alteration is predicted to be tolerated by in silico analysis. Since supporting evidence is limited at this time, the clinical significance of this alteration remains unclear.

NM_001267550.2(TTN):c.99314A>T (p.Lys33105Ile)

Genes: TTN (titin; minus strand), TTN-AS1 (TTN antisense RNA 1; plus strand). Cytogenetic location: 2q31.2.
Variant type: single nucleotide variant.
Coding change: c.99314A>T on transcript NM_001267550.2 (MANE Select); coding-DNA position 99314, A replaced by T.
Protein change: p.Lys33105Ile; replaces lysine 33105 with isoleucine.
Molecular consequence: missense variant.
Genome position (GRCh38, 1-based): chr2:178,537,893, T>A on the plus strand (A>T on the coding strand, the complement: TTN is on the minus strand). VCF-style: chr2-178537893-T-A. GRCh37 (hg19) VCF-style: chr2-179402620-T-A.
Other names: c.94391A>T, p.Lys31464Ile (NM_001256850.1); c.72119A>T, p.Lys24040Ile (NM_003319.4); c.91610A>T, p.Lys30537Ile (NM_133378.4); c.72494A>T, p.Lys24165Ile (NM_133432.3); c.72695A>T, p.Lys24232Ile (NM_133437.4); short protein forms K24040I, K24165I, K30537I, K31464I, K33105I, K24232I.
Identifiers: ClinVar variation 1757734 (VCV001757734.2), dbSNP rs1196579817, ClinGen allele CA349430375.
Genomic context (GRCh38, chr2:178,537,893, plus strand): 5'-ACAATCTGGCATGAGAGTTGAGCAGCTTCACCCAATTTTGTGGTAACATCCTTCATTTCT[T>A]TGCGTATTCCTGGGGCCTCTCCAGCTGAACAATATGAAAGATAATATTAAGTGACTGTTA-3'
Protein context (NP_001254479.2, residues 33095-33115): LTSGEAPGIR[Lys33105Ile]EMKDVTTKLG